The following is an entry in ClinVar:

NM_007186.6(CEP250):c.4895T>C (p.Val1632Ala)

Gene: CEP250 (centrosomal protein 250; plus strand). Cytogenetic location: 20q11.22.
Variant type: single nucleotide variant.
Coding change: c.4895T>C on transcript NM_007186.6 (MANE Select); coding-DNA position 4895, T replaced by C.
Protein change: p.Val1632Ala; replaces valine 1632 with alanine.
Molecular consequence: missense variant.
Genome position (GRCh38, 1-based): chr20:35,503,264, T>C. VCF-style: chr20-35503264-T-C. GRCh37 (hg19) VCF-style: chr20-34091092-T-C.
Other names: c.2999T>C, p.Val1000Ala (NM_001318219.1); short protein forms V1000A, V1632A.
Identifiers: ClinVar variation 1025013 (VCV001025013.8), dbSNP rs370432289, ClinGen allele CA9833783.

ClinVar aggregate classification (germline): Uncertain significance (1 of 4 stars; one submission).

Allele frequency attached by ClinVar (database versions not stated): TOPMed below 0.00001; ESP Exome Variant Server 0.00008.
gnomAD v4.1: 19 of 1,613,714 alleles (0.0012%); highest among the groups gnomAD compares: Non-Finnish European, 0.0015%; no homozygotes.

Submission:

Labcorp Genetics (formerly Invitae), Labcorp
Classification: Uncertain significance. Last evaluated: 2022-08-09. Review status: criteria provided, single submitter. Criteria: Invitae Variant Classification Sherloc (09022015). Collection method: clinical testing. Allele origin: germline.
Comment: This sequence change replaces valine, which is neutral and non-polar, with alanine, which is neutral and non-polar, at codon 1632 of the CEP250 protein (p.Val1632Ala). This variant is present in population databases (rs370432289, gnomAD 0.0009%). This variant has not been reported in the literature in individuals affected with CEP250-related conditions. ClinVar contains an entry for this variant (Variation ID: 1025013). Algorithms developed to predict the effect of missense changes on protein structure and function output the following: SIFT: "Not Available"; PolyPhen-2: "Benign"; Align-GVGD: "Not Available". The alanine amino acid residue is found in multiple mammalian species, which suggests that this missense change does not adversely affect protein function. In summary, the available evidence is currently insufficient to determine the role of this variant in disease. Therefore, it has been classified as a Variant of Uncertain Significance.